The following is an entry in ClinVar:

ClinVar aggregate classification (germline): Likely benign (1 of 4 stars; one submission).

Allele frequency attached by ClinVar (database versions not stated): gnomAD exomes 0.00086; gnomAD 0.01255 and 0.01347; 1000 Genomes Project 0.01338; 1000 Genomes Project 30x 0.01405; TOPMed 0.01411.

Submission:

GeneDx
Classification: Likely benign. Last evaluated: 2018-06-19. Review status: criteria provided, single submitter. Criteria: GeneDx Variant Classification (06012015). Collection method: clinical testing. Allele origin: germline. Affected: yes.
Comment: This variant is considered likely benign or benign based on one or more of the following criteria: it is a conservative change, it occurs at a poorly conserved position in the protein, it is predicted to be benign by multiple in silico algorithms, and/or has population frequency not consistent with disease.

NM_001079866.2(BCS1L):c.-49-435del

Gene: BCS1L (BCS1 homolog, ubiquinol-cytochrome c reductase complex chaperone; plus strand). Cytogenetic location: 2q35.
Variant type: Deletion.
Coding change: c.-49-435del on transcript NM_001079866.2 (MANE Select); 435 bases into the intron before 49 bases upstream of the start codon, one base deleted (C; older notation c.-49-435delC).
Molecular consequence: intron variant. On other transcripts: 5 prime UTR variant (5), non-coding transcript variant (1).
Genome position (GRCh38, 1-based): chr2:218,660,504, C deleted. VCF-style (leftmost placement, unchanged base first): chr2-218660503-AC-A. GRCh37 (hg19) VCF-style: chr2-219525226-AC-A.
Other names: c.-294del (NM_001371446.1); c.-285del (NM_001371451.1); c.-960del (NM_001371453.1, NM_001374086.1); c.-484del (NM_001374085.1); c.-50+83del (NM_001371450.1, NM_001371448.1, NM_001320717.2 and 3 more transcripts); c.-526+83del (NM_001371454.1); c.-49-435del (NM_001257344.2); c.-50+259del (NM_004328.5); and 8 more.
Identifiers: ClinVar variation 676726 (VCV000676726.1), dbSNP rs146786097, ClinGen allele CA65807975.
Genomic context (GRCh38, chr2:218,660,503, plus strand): 5'-ATTTCAAGAACTACGATTTTAAAGACAGTTTAGGTGGGAGGTAATAAAGGTCTAAACAAG[AC>A]GTTAAATATTGGGGACGTAAGGGGGAGGATATTTGAAGGACATTACTCATAACAAGACAT-3'